The following is an entry in ClinVar:

ClinVar aggregate classification (germline): Uncertain significance. Review status: criteria provided, multiple submitters, no conflicts (2 of 4 stars). 3 submissions from 3 submitters: Uncertain significance (3). Last evaluated 2024-09-23.

Conditions:
Cardiomyopathy (CMYO). Also called: Cardiomyopathies. Identifiers: Orphanet 167848, MedGen C0878544, MONDO:0004994, HP:0001638. Inheritance: Various modes of inheritance.
Catecholaminergic polymorphic ventricular tachycardia (CVPT). Also called: Catecholamine-induced polymorphic ventricular tachycardia. Identifiers: Orphanet 3286, MedGen C5574922, MONDO:0017990.
RYR2-related disorder. Also called: RYR2-related condition.

Allele frequency attached by ClinVar (database versions not stated): gnomAD 0.00001; gnomAD exomes 0.00001; TOPMed 0.00001.
gnomAD v4.1: 16 of 1,613,790 alleles (0.00099%); highest among the groups gnomAD compares: Non-Finnish European, 0.0013%; no homozygotes.

Submissions (3):

Color Diagnostics, LLC DBA Color Health
Classification: Uncertain significance for Cardiomyopathy. Last evaluated: 2024-09-23. Review status: criteria provided, single submitter. Criteria: ACMG Guidelines, 2015. Collection method: clinical testing. Allele origin: germline.
Comment: This missense variant replaces isoleucine with threonine at codon 1446 of the RYR2 protein. Computational prediction suggests that this variant may not impact protein structure and function (internally defined REVEL score threshold <= 0.5, PMID: 27666373). To our knowledge, functional studies have not been reported for this variant. This variant has not been reported in individuals affected with RYR2-related disorders in the literature. This variant has been identified in 1/248990 chromosomes in the general population by the Genome Aggregation Database (gnomAD). The available evidence is insufficient to determine the role of this variant in disease conclusively. Therefore, this variant is classified as a Variant of Uncertain Significance.

All of Us Research Program, National Institutes of Health
Classification: Uncertain significance for Catecholaminergic polymorphic ventricular tachycardia. Last evaluated: 2023-04-10. Review status: criteria provided, single submitter. Criteria: ACMG Guidelines, 2015. Collection method: clinical testing. Allele origin: germline. Inheritance: Autosomal dominant inheritance. Observed: 1 variant allele, 1 heterozygote.
Comment: This missense variant replaces isoleucine with threonine at codon 1446 of the RYR2 protein. Computational prediction suggests that this variant may not impact protein structure and function (internally defined REVEL score threshold <= 0.5, PMID: 27666373). To our knowledge, functional studies have not been reported for this variant. This variant has not been reported in individuals affected with RYR2-related disorders in the literature. This variant has been identified in 1/248990 chromosomes in the general population by the Genome Aggregation Database (gnomAD). The available evidence is insufficient to determine the role of this variant in disease conclusively. Therefore, this variant is classified as a Variant of Uncertain Significance.

This study involves interpretation of variants in research participants for the purpose of population health screening. Participant phenotype was not available at the time of variant classification. Additional details can be found in publication PMID: 35346344, PMCID: PMC8962531

PreventionGenetics, part of Exact Sciences
Classification: Uncertain significance for RYR2-related condition. Last evaluated: 2023-01-10. Review status: criteria provided, single submitter. Criteria: ACMG Guidelines, 2015. Collection method: clinical testing. Allele origin: germline.
Comment: The RYR2 c.4337T>C variant is predicted to result in the amino acid substitution p.Ile1446Thr. To our knowledge, this variant has not been reported in the literature. This variant is reported in 0.00089% of alleles in individuals of European (Non-Finnish) descent in gnomAD. At this time, the clinical significance of this variant is uncertain due to the absence of conclusive functional and genetic evidence.

NM_001035.3(RYR2):c.4337T>C (p.Ile1446Thr)

Gene: RYR2 (ryanodine receptor 2; plus strand). Cytogenetic location: 1q43.
Variant type: single nucleotide variant.
Coding change: c.4337T>C on transcript NM_001035.3 (MANE Select); coding-DNA position 4337, T replaced by C.
Protein change: p.Ile1446Thr; replaces isoleucine 1446 with threonine.
Molecular consequence: missense variant.
Genome position (GRCh38, 1-based): chr1:237,593,537, T>C. VCF-style: chr1-237593537-T-C. GRCh37 (hg19) VCF-style: chr1-237756837-T-C.
Other names: short protein forms I1446T.
Identifiers: ClinVar variation 2629730 (VCV002629730.3), dbSNP rs905563778, ClinGen allele CA39805640.
Genomic context (GRCh38, chr1:237,593,537, plus strand): 5'-ACTATTACTCAGTGAGAATCTTTCCTGGACAAGAACCTGCTAATGTCTGGGTGGGCTGGA[T>C]TACATCAGATTTCCATCAGTATGACACAGGCTTTGACTTGGACAGAGTTCGCACAGTAAC-3'
Protein context (NP_001026.2, residues 1436-1456): QEPANVWVGW[Ile1446Thr]TSDFHQYDTG